The following is an entry in ClinVar:

NM_020937.4(FANCM):c.950A>G (p.Gln317Arg)

Gene: FANCM (FA complementation group M; plus strand). Cytogenetic location: 14q21.2.
Variant type: single nucleotide variant.
Coding change: c.950A>G on transcript NM_020937.4 (MANE Select); coding-DNA position 950, A replaced by G.
Protein change: p.Gln317Arg; replaces glutamine 317 with arginine.
Molecular consequence: missense variant.
Genome position (GRCh38, 1-based): chr14:45,151,428, A>G. VCF-style: chr14-45151428-A-G. GRCh37 (hg19) VCF-style: chr14-45620631-A-G.
Other names: c.872A>G, p.Gln291Arg (NM_001308133.2); c.950A>G, p.Gln317Arg (NM_001308134.2); c.950A>G (NM_020937.3); short protein forms Q317R, Q291R.
Identifiers: ClinVar variation 649748 (VCV000649748.11), dbSNP rs375644492, ClinGen allele CA7168896.

ClinVar aggregate classification (germline): Uncertain significance. Review status: criteria provided, multiple submitters, no conflicts (2 of 4 stars). 3 submissions from 3 submitters: Uncertain significance (3). Last evaluated 2025-10-09.

Conditions:
Fanconi anemia (FA). Also called: Fanconi's anemia. Identifiers: Orphanet 84, MedGen C0015625, MeSH D005199, MONDO:0019391.

Allele frequency attached by ClinVar (database versions not stated): ExAC 0.00002; gnomAD exomes 0.00002; gnomAD 0.00003; TOPMed 0.00005; ESP Exome Variant Server 0.00008.
gnomAD v4.1: 38 of 1,613,572 alleles (0.0024%); highest among the groups gnomAD compares: Middle Eastern, 0.016%; no homozygotes.

Submissions (3):

Quest Diagnostics Nichols Institute San Juan Capistrano
Classification: Uncertain significance. Last evaluated: 2025-10-09. Review status: criteria provided, single submitter. Criteria: Quest Diagnostics criteria. Collection method: clinical testing. Allele origin: unknown.
Comment: The FANCM c.950A>G (p.Gln317Arg) variant has been reported in the published literature in individuals with breast cancer (PMID: 36707629 (2023), 33471991 (2021), see also LOVD) and Sertoli cell only syndrome (SCOS) (PMID: 38927643 (2024)). This variant has also been identified in reportedly unaffected individuals (PMID: 36707629 (2023), 33471991 (2021), see also LOVD). The frequency of this variant in the general population (Genome Aggregation Database) is uninformative in the assessment of its pathogenicity. Analysis of this variant using bioinformatics tools for the prediction of the effect of amino acid changes on protein structure and function yielded predictions that this variant is benign. Based on the available information, we are unable to determine the clinical significance of this variant.

GeneDx
Classification: Uncertain significance. Last evaluated: 2024-11-22. Review status: criteria provided, single submitter. Criteria: GeneDx Variant Classification Process June 2021. Collection method: clinical testing. Allele origin: germline. Affected: yes.
Comment: Not observed at significant frequency in large population cohorts (gnomAD); In silico analysis indicates that this missense variant does not alter protein structure/function; Identified in an individual with azoospermia and observed in one unaffected control and no cases in an ovarian cancer case-control study (PMID: 28881617, 38927643); This variant is associated with the following publications: (PMID: 38927643, 28881617)

Labcorp Genetics (formerly Invitae), Labcorp
Classification: Uncertain significance for Fanconi anemia. Last evaluated: 2023-12-24. Review status: criteria provided, single submitter. Criteria: Invitae Variant Classification Sherloc (09022015). Collection method: clinical testing. Allele origin: germline.
Comment: This sequence change replaces glutamine, which is neutral and polar, with arginine, which is basic and polar, at codon 317 of the FANCM protein (p.Gln317Arg). This variant is present in population databases (rs375644492, gnomAD 0.004%). This variant has not been reported in the literature in individuals affected with FANCM-related conditions. ClinVar contains an entry for this variant (Variation ID: 649748). Algorithms developed to predict the effect of missense changes on protein structure and function output the following: SIFT: "Not Available"; PolyPhen-2: "Benign"; Align-GVGD: "Not Available". The arginine amino acid residue is found in multiple mammalian species, which suggests that this missense change does not adversely affect protein function. In summary, the available evidence is currently insufficient to determine the role of this variant in disease. Therefore, it has been classified as a Variant of Uncertain Significance.

Literature cited by the submitters: PubMed 38927643 (cited by Quest Diagnostics Nichols Institute San Juan Capistrano); PubMed 33471991 (cited by Quest Diagnostics Nichols Institute San Juan Capistrano); PubMed 36707629 (cited by Quest Diagnostics Nichols Institute San Juan Capistrano); PubMed 32235514 (cited by Quest Diagnostics Nichols Institute San Juan Capistrano).